The following is an entry in ClinVar:

ClinVar aggregate classification (germline): Uncertain significance. Review status: criteria provided, multiple submitters, no conflicts (2 of 4 stars). 4 submissions from 4 submitters: Uncertain significance (4). Last evaluated 2025-09-19.

Conditions:
Cardiomyopathy (CMYO). Also called: Cardiomyopathies. Identifiers: Orphanet 167848, MedGen C0878544, MONDO:0004994, HP:0001638. Inheritance: Various modes of inheritance.
Arrhythmogenic cardiomyopathy with wooly hair and keratoderma. Also called: Carvajal syndrome; PALMOPLANTAR KERATODERMA WITH LEFT VENTRICULAR CARDIOMYOPATHY AND WOOLLY HAIR; Dilated cardiomyopathy with woolly hair and keratoderma; Arrhythmogenic cardiomyopathy with woolly hair and keratoderma. Identifiers: Orphanet 65282, MedGen C1854063, MONDO:0011581, OMIM 605676.
Arrhythmogenic right ventricular dysplasia 8 (ARVD8). Also called: Arrhythmogenic Right Ventricular Dysplasia/Cardiomyopathy 8; ARRHYTHMOGENIC RIGHT VENTRICULAR DYSPLASIA, FAMILIAL, 8; ARRHYTHMOGENIC RIGHT VENTRICULAR CARDIOMYOPATHY 8. Identifiers: MedGen C1843896, MONDO:0011831, OMIM 607450.

gnomAD v4.1: 1 of 1,613,220 alleles (0.000062%); highest among the groups gnomAD compares: East Asian, 0.0022%; no homozygotes.

Submissions (4):

Dasa
Classification: Uncertain significance. Last evaluated: 2025-09-19. Review status: criteria provided, single submitter. Criteria: DASA Assertion Criteria. Collection method: clinical testing. Allele origin: germline.
Comment: NM_004415.4(DSP):c.8455A>G (p.Met2819Val) is a missense variant that results in the substitution of methionine with valine. This variant is rare in population databases. Computational prediction algorithms are consistent with a benign effect. The currently available literature and clinical evidence are not sufficient to establish a definitive association between this variant and the reported condition. Therefore, this variant is classified as a variant of uncertain significance.

Labcorp Genetics (formerly Invitae), Labcorp
Classification: Uncertain significance for Arrhythmogenic cardiomyopathy with wooly hair and keratoderma; Arrhythmogenic right ventricular dysplasia 8. Last evaluated: 2022-11-15. Review status: criteria provided, single submitter. Criteria: Invitae Variant Classification Sherloc (09022015). Collection method: clinical testing. Allele origin: germline.
Comment: In summary, the available evidence is currently insufficient to determine the role of this variant in disease. Therefore, it has been classified as a Variant of Uncertain Significance. Algorithms developed to predict the effect of missense changes on protein structure and function output the following: SIFT: "Tolerated"; PolyPhen-2: "Benign"; Align-GVGD: "Class C0". The valine amino acid residue is found in multiple mammalian species, which suggests that this missense change does not adversely affect protein function. This variant is not present in population databases (gnomAD no frequency). This sequence change replaces methionine, which is neutral and non-polar, with valine, which is neutral and non-polar, at codon 2819 of the DSP protein (p.Met2819Val). This variant has not been reported in the literature in individuals affected with DSP-related conditions. ClinVar contains an entry for this variant (Variation ID: 919071).

Color Diagnostics, LLC DBA Color Health
Classification: Uncertain significance for Cardiomyopathy. Last evaluated: 2019-12-03. Review status: criteria provided, single submitter. Criteria: ACMG Guidelines, 2015. Collection method: clinical testing. Allele origin: germline.
Comment: This missense variant replaces methionine with valine at codon 2819 of the DSP protein. Computational prediction tool suggests that this variant may not impact protein structure and function (internally defined REVEL score threshold ≤0.5, PMID: 27666373). Splice site prediction tools suggest that this variant may not impact RNA splicing. To our knowledge, functional studies have not been performed for this variant. This variant has not been reported in individuals affected with cardiovascular disorders in the literature. This variant has not been identified in the general population by the Genome Aggregation Database (gnomAD). The available evidence is insufficient to determine the role of this variant in disease conclusively. Therefore, this variant is classified as a Variant of Uncertain Significance.

Blueprint Genetics
Classification: Uncertain significance. Last evaluated: 2019-10-28. Review status: criteria provided, single submitter. Criteria: ACMG Guidelines, 2015. Collection method: clinical testing. Allele origin: germline.

NM_004415.4(DSP):c.8455A>G (p.Met2819Val)

Gene: DSP (desmoplakin; plus strand). Cytogenetic location: 6p24.3.
Variant type: single nucleotide variant.
Coding change: c.8455A>G on transcript NM_004415.4 (MANE Select); coding-DNA position 8455, A replaced by G.
Protein change: p.Met2819Val; replaces methionine 2819 with valine.
Molecular consequence: missense variant.
Genome position (GRCh38, 1-based): chr6:7,585,717, A>G. VCF-style: chr6-7585717-A-G. GRCh37 (hg19) VCF-style: chr6-7585950-A-G.
Other names: c.6658A>G, p.Met2220Val (NM_001008844.3); c.7126A>G, p.Met2376Val (NM_001319034.2); short protein forms M2220V, M2819V, M2376V.
Identifiers: ClinVar variation 919071 (VCV000919071.9), dbSNP rs138329459, ClinGen allele CA362695186.
Genomic context (GRCh38, chr6:7,585,717, plus strand): 5'-GGGCTGCGCCTTCTGGAAGCCGCCTCCGTGTCGTCCAAGGGCTTACCCAGCCCTTACAAC[A>G]TGTCTTCGGCTCCGGGGTCCCGCTCCGGCTCCCGCTCGGGATCTCGCTCCGGATCTCGCT-3'
Protein context (NP_004406.2, residues 2809-2829): SSKGLPSPYN[Met2819Val]SSAPGSRSGS